The following is an entry in ClinVar:

NM_144573.4(NEXN):c.156C>A (p.Asp52Glu)

Gene: NEXN (nexilin F-actin binding protein; plus strand). Cytogenetic location: 1p31.1.
Variant type: single nucleotide variant.
Coding change: c.156C>A on transcript NM_144573.4 (MANE Select); coding-DNA position 156, C replaced by A.
Protein change: p.Asp52Glu; replaces aspartic acid 52 with glutamic acid.
Molecular consequence: missense variant. On other transcripts: intron variant (1).
Genome position (GRCh38, 1-based): chr1:77,917,694, C>A. VCF-style: chr1-77917694-C-A. GRCh37 (hg19) VCF-style: chr1-78383379-C-A.
Other names: c.28-266C>A (NM_001172309.2); short protein forms D52E.
Identifiers: ClinVar variation 1476902 (VCV001476902.7), dbSNP rs371431782, ClinGen allele CA340885717.

ClinVar aggregate classification (germline): Uncertain significance (1 of 4 stars; one submission).

Conditions:
Hypertrophic cardiomyopathy 20. Identifiers: MedGen C3151267, MONDO:0013477, OMIM 613876.
Dilated cardiomyopathy 1CC (CMD1CC). Identifiers: Orphanet 154, MedGen C2751084, MONDO:0013147, OMIM 613122.

gnomAD v4.1: 3 of 1,610,950 alleles (0.00019%); highest among the groups gnomAD compares: East Asian, 0.0022%; no homozygotes.

Submission:

Labcorp Genetics (formerly Invitae), Labcorp
Classification: Uncertain significance for Dilated cardiomyopathy 1CC; Hypertrophic cardiomyopathy 20. Last evaluated: 2022-05-12. Review status: criteria provided, single submitter. Criteria: Invitae Variant Classification Sherloc (09022015). Collection method: clinical testing. Allele origin: germline.
Comment: This sequence change replaces aspartic acid, which is acidic and polar, with glutamic acid, which is acidic and polar, at codon 52 of the NEXN protein (p.Asp52Glu). This variant is not present in population databases (gnomAD no frequency). This variant has not been reported in the literature in individuals affected with NEXN-related conditions. Algorithms developed to predict the effect of missense changes on protein structure and function output the following: SIFT: "Tolerated"; PolyPhen-2: "Benign"; Align-GVGD: "Class C0". The glutamic acid amino acid residue is found in multiple mammalian species, which suggests that this missense change does not adversely affect protein function. In summary, the available evidence is currently insufficient to determine the role of this variant in disease. Therefore, it has been classified as a Variant of Uncertain Significance.